The following is an entry in ClinVar:

ClinVar aggregate classification (germline): Uncertain significance (0 of 4 stars; one submission).

Conditions:
CYP7A1-related disorder. Also called: CYP7A1-related condition.

Submission:

PreventionGenetics, part of Exact Sciences
Classification: Uncertain significance for CYP7A1-related condition. Last evaluated: 2024-05-02. Review status: no assertion criteria provided. Collection method: clinical testing. Allele origin: germline.
Comment: The CYP7A1 c.338G>C variant is predicted to result in the amino acid substitution p.Ser113Thr. To our knowledge, this variant has not been reported in the literature. This variant is reported in 0.0029% of alleles in individuals of Latino descent in gnomAD. At this time, the clinical significance of this variant is uncertain due to the absence of conclusive functional and genetic evidence.

NM_000780.4(CYP7A1):c.338G>C (p.Ser113Thr)

Gene: CYP7A1 (cytochrome P450 family 7 subfamily A member 1; minus strand). Cytogenetic location: 8q12.1.
Variant type: single nucleotide variant.
Coding change: c.338G>C on transcript NM_000780.4 (MANE Select); coding-DNA position 338, G replaced by C.
Protein change: p.Ser113Thr; replaces serine 113 with threonine.
Molecular consequence: missense variant.
Genome position (GRCh38, 1-based): chr8:58,497,174, C>G on the plus strand (G>C on the coding strand, the complement: CYP7A1 is on the minus strand). VCF-style: chr8-58497174-C-G. GRCh37 (hg19) VCF-style: chr8-59409733-C-G.
Other names: short protein forms S113T.
Identifiers: ClinVar variation 3356744 (VCV003356744.1).